The following is an entry in ClinVar:

ClinVar aggregate classification (germline): Uncertain significance. Review status: criteria provided, multiple submitters, no conflicts (2 of 4 stars). 2 submissions from 2 submitters: Uncertain significance (2). Last evaluated 2024-01-28.

Conditions:
Loeys-Dietz syndrome 4 (LDS4). Also called: ANEURYSM, AORTIC AND CEREBRAL, WITH ARTERIAL TORTUOSITY AND SKELETAL MANIFESTATIONS; TGFB2-Related Loeys-Dietz Syndrome. Identifiers: MedGen C3553762, MONDO:0013897, OMIM 614816.
Familial thoracic aortic aneurysm and aortic dissection (TAAD). Also called: Thoracic aortic aneurysms and dissections. Identifiers: Orphanet 91387, MedGen C4707243, MONDO:0019625.

Allele frequency attached by ClinVar (database versions not stated): gnomAD exomes below 0.00001; TOPMed below 0.00001.

Submissions (2):

Labcorp Genetics (formerly Invitae), Labcorp
Classification: Uncertain significance for Loeys-Dietz syndrome 4. Last evaluated: 2024-01-28. Review status: criteria provided, single submitter. Criteria: Invitae Variant Classification Sherloc (09022015). Collection method: clinical testing. Allele origin: germline.
Comment: This sequence change replaces proline, which is neutral and non-polar, with leucine, which is neutral and non-polar, at codon 58 of the TGFB2 protein (p.Pro58Leu). This variant is not present in population databases (gnomAD no frequency). This variant has not been reported in the literature in individuals affected with TGFB2-related conditions. ClinVar contains an entry for this variant (Variation ID: 2191625). Advanced modeling of protein sequence and biophysical properties (such as structural, functional, and spatial information, amino acid conservation, physicochemical variation, residue mobility, and thermodynamic stability) performed at Invitae indicates that this missense variant is not expected to disrupt TGFB2 protein function with a negative predictive value of 95%. In summary, the available evidence is currently insufficient to determine the role of this variant in disease. Therefore, it has been classified as a Variant of Uncertain Significance.

Ambry Genetics
Classification: Uncertain significance for Familial thoracic aortic aneurysm and aortic dissection. Last evaluated: 2023-01-14. Review status: criteria provided, single submitter. Criteria: Ambry Variant Classification Scheme 2023. Collection method: clinical testing. Allele origin: germline.
Comment: The p.P58L variant (also known as c.173C>T), located in coding exon 1 of the TGFB2 gene, results from a C to T substitution at nucleotide position 173. The proline at codon 58 is replaced by leucine, an amino acid with similar properties. This amino acid position is conserved. In addition, this alteration is predicted to be tolerated by in silico analysis. Since supporting evidence is limited at this time, the clinical significance of this alteration remains unclear.

NM_003238.6(TGFB2):c.173C>T (p.Pro58Leu)

Gene: TGFB2 (transforming growth factor beta 2; plus strand). Cytogenetic location: 1q41.
Variant type: single nucleotide variant.
Coding change: c.173C>T on transcript NM_003238.6 (MANE Select); coding-DNA position 173, C replaced by T.
Protein change: p.Pro58Leu; replaces proline 58 with leucine.
Molecular consequence: missense variant. On other transcripts: non-coding transcript variant (2).
Genome position (GRCh38, 1-based): chr1:218,346,874, C>T. VCF-style: chr1-218346874-C-T. GRCh37 (hg19) VCF-style: chr1-218520216-C-T.
Other names: c.173C>T, p.Pro58Leu (NM_001135599.4); c.173C>T (NM_003238.3); short protein forms P58L.
Identifiers: ClinVar variation 2191625 (VCV002191625.6), dbSNP rs1656700665, ClinGen allele CA344725451.